The following is an entry in ClinVar:

NM_001370259.2(MEN1):c.29T>C (p.Leu10Pro)

Gene: MEN1 (menin 1; minus strand). Cytogenetic location: 11q13.1.
Variant type: single nucleotide variant.
Coding change: c.29T>C on transcript NM_001370259.2 (MANE Select); coding-DNA position 29, T replaced by C.
Protein change: p.Leu10Pro; replaces leucine 10 with proline.
Molecular consequence: missense variant.
Genome position (GRCh38, 1-based): chr11:64,810,081, A>G on the plus strand (T>C on the coding strand, the complement: MEN1 is on the minus strand). VCF-style: chr11-64810081-A-G. GRCh37 (hg19) VCF-style: chr11-64577553-A-G.
Other names: c.29T>C, p.Leu10Pro (NM_000244.4, NM_001370251.2, NM_001370260.2 and 20 more transcripts); short protein forms L10P.
Identifiers: ClinVar variation 2125825 (VCV002125825.4), dbSNP rs1942026011, ClinGen allele CA381188251.

ClinVar aggregate classification (germline): Uncertain significance (1 of 4 stars; one submission).

Conditions:
Multiple endocrine neoplasia, type 1 (MEN1). Also called: MEN I; WERMER SYNDROME; Endocrine adenomatosis multiple; MEN 1; MEA I. Identifiers: Orphanet 652, MedGen C0025267, MeSH D018761, MONDO:0007540, OMIM 131100.

Submission:

Labcorp Genetics (formerly Invitae), Labcorp
Classification: Uncertain significance for Multiple endocrine neoplasia, type 1. Last evaluated: 2022-04-13. Review status: criteria provided, single submitter. Criteria: Invitae Variant Classification Sherloc (09022015). Collection method: clinical testing. Allele origin: germline.
Comment: In summary, the available evidence is currently insufficient to determine the role of this variant in disease. Therefore, it has been classified as a Variant of Uncertain Significance. Advanced modeling of protein sequence and biophysical properties (such as structural, functional, and spatial information, amino acid conservation, physicochemical variation, residue mobility, and thermodynamic stability) performed at Invitae indicates that this missense variant is not expected to disrupt MEN1 protein function. This variant has not been reported in the literature in individuals affected with MEN1-related conditions. This variant is not present in population databases (gnomAD no frequency). This sequence change replaces leucine, which is neutral and non-polar, with proline, which is neutral and non-polar, at codon 10 of the MEN1 protein (p.Leu10Pro).